The following is an entry in ClinVar:

NM_170707.4(LMNA):c.513+1G>C

Genes: LMNA (lamin A/C; plus strand), LOC126805877 (MED14-independent group 3 enhancer GRCh37_chr1:156099693-156100892; plus strand). Cytogenetic location: 1q22.
Variant type: single nucleotide variant.
Coding change: c.513+1G>C on transcript NM_170707.4 (MANE Select); the canonical splice donor site of the intron after coding-DNA position 513, G replaced by C.
Molecular consequence: splice donor variant. On other transcripts: intron variant (4).
Genome position (GRCh38, 1-based): chr1:156,130,774, G>C. VCF-style: chr1-156130774-G-C. GRCh37 (hg19) VCF-style: chr1-156100565-G-C.
Other names: c.513+1G>C (NM_001406983.1, NM_001282625.2, NM_001406984.1 and 6 more transcripts); c.-45-3629G>C (NM_001407002.1, NM_001406995.1, NM_001406990.1); c.-46+1G>C (NM_001406993.1, NM_001407003.1, NM_001406996.1 and 1 more transcripts); c.-152+1G>C (NM_001406999.1, NM_001407000.1, NM_001406994.1); c.270+1G>C (NM_001406986.1, NM_001406987.1, NM_001282624.2); c.-151-3629G>C (NM_001407001.1); c.177+1G>C (NM_001406989.1, NM_001257374.3, NM_001406998.1); c.216+1G>C (NM_001406988.1).
Identifiers: ClinVar variation 48069 (VCV000048069.9), dbSNP rs397517904, ClinGen allele CA018184.

ClinVar aggregate classification (germline): Likely pathogenic. Review status: criteria provided, multiple submitters, no conflicts (2 of 4 stars). 2 submissions from 2 submitters: Likely pathogenic (2). Last evaluated 2022-10-17.

Conditions:
Charcot-Marie-Tooth disease type 2. Also called: Charcot-Marie-Tooth type 2. Identifiers: Orphanet 64746, MedGen C0270914, MONDO:0018993.
Primary dilated cardiomyopathy (DCM). Also called: Dilated Cardiomyopathy. Identifiers: Orphanet 217604, MedGen C0007193, MeSH D002311, MONDO:0005021, HP:0001644. Inheritance: Various modes of inheritance.

Submissions (2):

Labcorp Genetics (formerly Invitae), Labcorp
Classification: Likely pathogenic for Charcot-Marie-Tooth disease type 2. Last evaluated: 2022-10-17. Review status: criteria provided, single submitter. Criteria: Invitae Variant Classification Sherloc (09022015). Collection method: clinical testing. Allele origin: germline.
Comment: This sequence change affects a donor splice site in intron 2 of the LMNA gene. It is expected to disrupt RNA splicing. Variants that disrupt the donor or acceptor splice site typically lead to a loss of protein function (PMID: 16199547), and loss-of-function variants in LMNA are known to be pathogenic (PMID: 18585512, 18926329). This variant is not present in population databases (gnomAD no frequency). Disruption of this splice site has been observed in individual(s) with clinical features of LMNA-related conditions (PMID: 23360689, 24503780). ClinVar contains an entry for this variant (Variation ID: 48069). Algorithms developed to predict the effect of sequence changes on RNA splicing suggest that this variant may disrupt the consensus splice site. In summary, the currently available evidence indicates that the variant is pathogenic, but additional data are needed to prove that conclusively. Therefore, this variant has been classified as Likely Pathogenic.

Laboratory for Molecular Medicine, Mass General Brigham Personalized Medicine
Classification: Likely pathogenic for Primary dilated cardiomyopathy. Last evaluated: 2014-04-04. Review status: criteria provided, single submitter. Criteria: LMM Criteria. Collection method: clinical testing. Allele origin: germline. Inheritance: Autosomal dominant inheritance. Observed: 3 variant alleles.
Comment: Data f rom large population studies is insufficient to assess the frequency of this var iant. This variant occurs in the invaria nt region (+/- 1,2) of the splice consensus sequence and is predicted to cause a ltered splicing leading to an abnormal or absent protein. In summary, this varia nt is likely to be pathogenic, though additional studies are required to fully e stablish its clinical significance.

Literature cited by the submitters: PubMed 16199547 (cited by Labcorp Genetics (formerly Invitae), Labcorp); PubMed 18585512 (cited by Labcorp Genetics (formerly Invitae), Labcorp); PubMed 18926329 (cited by Labcorp Genetics (formerly Invitae), Labcorp); PubMed 23360689 (cited by Labcorp Genetics (formerly Invitae), Labcorp and Laboratory for Molecular Medicine, Mass General Brigham Personalized Medicine); PubMed 24503780 (cited by Labcorp Genetics (formerly Invitae), Labcorp).